The following is an entry in ClinVar:

NM_001042492.3(NF1):c.1129A>G (p.Ile377Val)

Gene: NF1 (neurofibromin 1; plus strand). Cytogenetic location: 17q11.2.
Variant type: single nucleotide variant.
Coding change: c.1129A>G on transcript NM_001042492.3 (MANE Select); coding-DNA position 1129, A replaced by G.
Protein change: p.Ile377Val; replaces isoleucine 377 with valine.
Molecular consequence: missense variant.
Genome position (GRCh38, 1-based): chr17:31,201,103, A>G. VCF-style: chr17-31201103-A-G. GRCh37 (hg19) VCF-style: chr17-29528121-A-G.
Other names: c.1129A>G, p.Ile377Val (NM_000267.4, NM_001128147.3); short protein forms I377V.
Identifiers: ClinVar variation 1390170 (VCV001390170.7), dbSNP rs2143879598, ClinGen allele CA398997008.

ClinVar aggregate classification (germline): Uncertain significance. Review status: criteria provided, multiple submitters, no conflicts (2 of 4 stars). 2 submissions from 2 submitters: Uncertain significance (2). Last evaluated 2024-10-15.

Conditions:
Cardiovascular phenotype. Identifiers: MedGen CN230736.
Hereditary cancer-predisposing syndrome. Also called: Hereditary neoplastic syndrome; Neoplastic Syndromes, Hereditary; Hereditary Cancer Syndrome; Tumor predisposition. Identifiers: Orphanet 140162, MedGen C0027672, MeSH D009386, MONDO:0015356.
Neurofibromatosis, type 1 (NF1). Also called: VON RECKLINGHAUSEN DISEASE; Neurofibromatosis, type I; NEUROFIBROMATOSIS, TYPE I, SOMATIC; Peripheral type neurofibromatosis. Identifiers: Orphanet 636, MedGen C0027831, MONDO:0018975, OMIM 162200. Disease mechanism: loss of function.

Allele frequency attached by ClinVar (database versions not stated): gnomAD exomes below 0.00001.
gnomAD v4.1: 1 of 1,614,086 alleles (0.000062%); highest among the groups gnomAD compares: Non-Finnish European, 0.000085%; no homozygotes.

Submissions (2):

Labcorp Genetics (formerly Invitae), Labcorp
Classification: Uncertain significance for Neurofibromatosis, type 1. Last evaluated: 2024-10-15. Review status: criteria provided, single submitter. Criteria: Invitae Variant Classification Sherloc (09022015). Collection method: clinical testing. Allele origin: germline.
Comment: This sequence change replaces isoleucine, which is neutral and non-polar, with valine, which is neutral and non-polar, at codon 377 of the NF1 protein (p.Ile377Val). This variant is not present in population databases (gnomAD no frequency). This variant has not been reported in the literature in individuals affected with NF1-related conditions. ClinVar contains an entry for this variant (Variation ID: 1390170). Invitae Evidence Modeling of protein sequence and biophysical properties (such as structural, functional, and spatial information, amino acid conservation, physicochemical variation, residue mobility, and thermodynamic stability) indicates that this missense variant is not expected to disrupt NF1 protein function with a negative predictive value of 95%. In summary, the available evidence is currently insufficient to determine the role of this variant in disease. Therefore, it has been classified as a Variant of Uncertain Significance.

Ambry Genetics
Classification: Uncertain significance for Cardiovascular phenotype; Hereditary cancer-predisposing syndrome. Last evaluated: 2023-08-25. Review status: criteria provided, single submitter. Criteria: Ambry Variant Classification Scheme 2023. Collection method: clinical testing. Allele origin: germline.
Comment: The p.I377V variant (also known as c.1129A>G), located in coding exon 10 of the NF1 gene, results from an A to G substitution at nucleotide position 1129. The isoleucine at codon 377 is replaced by valine, an amino acid with highly similar properties. This amino acid position is conserved. In addition, the in silico prediction for this alteration is inconclusive. Since supporting evidence is limited at this time, the clinical significance of this alteration remains unclear.